The following is an entry in ClinVar:

NM_199420.4(POLQ):c.3884C>T (p.Thr1295Ile)

Gene: POLQ (DNA polymerase theta; minus strand). Cytogenetic location: 3q13.33.
Variant type: single nucleotide variant.
Coding change: c.3884C>T on transcript NM_199420.4 (MANE Select); coding-DNA position 3884, C replaced by T.
Protein change: p.Thr1295Ile; replaces threonine 1295 with isoleucine.
Molecular consequence: missense variant.
Genome position (GRCh38, 1-based): chr3:121,489,047, G>A on the plus strand (C>T on the coding strand, the complement: POLQ is on the minus strand). VCF-style: chr3-121489047-G-A. GRCh37 (hg19) VCF-style: chr3-121207894-G-A.
Other names: short protein forms T1295I.
Identifiers: ClinVar variation 2449299 (VCV002449299.2), dbSNP rs767612456, ClinGen allele CA354096725.

ClinVar aggregate classification (germline): Uncertain significance (1 of 4 stars; one submission).

gnomAD v4.1: 2 of 1,613,180 alleles (0.00012%); highest among the groups gnomAD compares: Admixed American, 0.0017%; no homozygotes.

Submission:

Ambry Genetics
Classification: Uncertain significance. Last evaluated: 2022-11-17. Review status: criteria provided, single submitter. Criteria: Ambry Variant Classification Scheme 2023. Collection method: clinical testing. Allele origin: germline.
Comment: The p.T1295I variant (also known as c.3884C>T), located in coding exon 16 of the POLQ gene, results from a C to T substitution at nucleotide position 3884. The threonine at codon 1295 is replaced by isoleucine, an amino acid with similar properties. This amino acid position is conserved. In addition, this alteration is predicted to be tolerated by in silico analysis. Since supporting evidence is limited at this time, the clinical significance of this alteration remains unclear.